The following is an entry in ClinVar:

NM_006270.5(RRAS):c.526C>T (p.Arg176Cys)

Gene: RRAS (RAS related; minus strand). Cytogenetic location: 19q13.33.
Variant type: single nucleotide variant.
Coding change: c.526C>T on transcript NM_006270.5 (MANE Select); coding-DNA position 526, C replaced by T.
Protein change: p.Arg176Cys; replaces arginine 176 with cysteine.
Molecular consequence: missense variant.
Genome position (GRCh38, 1-based): chr19:49,635,780, G>A on the plus strand (C>T on the coding strand, the complement: RRAS is on the minus strand). VCF-style: chr19-49635780-G-A. GRCh37 (hg19) VCF-style: chr19-50139037-G-A.
Other names: short protein forms R176C.
Identifiers: ClinVar variation 968209 (VCV000968209.9), dbSNP rs775719606, ClinGen allele CA9578975.

ClinVar aggregate classification (germline): Uncertain significance (1 of 4 stars; one submission).

Conditions:
Noonan syndrome (NS). Also called: Noonan's syndrome. Identifiers: Orphanet 648, MedGen C0028326, MeSH D009634, MONDO:0018997. Disease mechanism: gain of function.

Allele frequency attached by ClinVar (database versions not stated): gnomAD below 0.00001 and 0.00001; gnomAD exomes below 0.00001; TOPMed below 0.00001; ExAC 0.00001.

Submission:

Labcorp Genetics (formerly Invitae), Labcorp
Classification: Uncertain significance for Noonan syndrome. Last evaluated: 2024-03-02. Review status: criteria provided, single submitter. Criteria: Invitae Variant Classification Sherloc (09022015). Collection method: clinical testing. Allele origin: germline.
Comment: This sequence change replaces arginine, which is basic and polar, with cysteine, which is neutral and slightly polar, at codon 176 of the RRAS protein (p.Arg176Cys). The frequency data for this variant in the population databases is considered unreliable, as metrics indicate poor data quality at this position in the gnomAD database. This variant has not been reported in the literature in individuals affected with RRAS-related conditions. ClinVar contains an entry for this variant (Variation ID: 968209). An algorithm developed to predict the effect of missense changes on protein structure and function (PolyPhen-2) suggests that this variant is likely to be disruptive. In summary, the available evidence is currently insufficient to determine the role of this variant in disease. Therefore, it has been classified as a Variant of Uncertain Significance.